The following is an entry in ClinVar:

ClinVar aggregate classification (germline): Uncertain significance. Review status: criteria provided, multiple submitters, no conflicts (2 of 4 stars). 2 submissions from 2 submitters: Uncertain significance (2). Last evaluated 2022-09-01.

Conditions:
Ataxia-telangiectasia syndrome (AT). Also called: ATAXIA-TELANGIECTASIA, COMPLEMENTATION GROUP A; ATAXIA-TELANGIECTASIA, FRESNO VARIANT; Ataxia-telangiectasia; Cerebello-oculocutaneous telangiectasia; Immunodeficiency with ataxia telangiectasia; Ataxia-telangiectasia, complementation group D. Identifiers: Orphanet 100, MedGen C0004135, MONDO:0008840, OMIM 208900.

Allele frequency attached by ClinVar (database versions not stated): gnomAD exomes below 0.00001.
gnomAD v4.1: 1 of 1,613,338 alleles (0.000062%); highest among the groups gnomAD compares: Non-Finnish European, 0.000085%; no homozygotes.

Submissions (2):

CeGaT Center for Human Genetics Tuebingen
Classification: Uncertain significance. Last evaluated: 2022-09-01. Review status: criteria provided, single submitter. Criteria: CeGaT Center For Human Genetics Tuebingen Variant Classification Criteria Version 2. Collection method: clinical testing. Allele origin: germline. Affected: yes. Observed: 1 variant allele.
Comment: ATM: PM2, BP4

Labcorp Genetics (formerly Invitae), Labcorp
Classification: Uncertain significance for Ataxia-telangiectasia syndrome. Last evaluated: 2019-07-05. Review status: criteria provided, single submitter. Criteria: Invitae Variant Classification Sherloc (09022015). Collection method: clinical testing. Allele origin: germline.
Comment: In summary, the available evidence is currently insufficient to determine the role of this variant in disease. Therefore, it has been classified as a Variant of Uncertain Significance. Algorithms developed to predict the effect of missense changes on protein structure and function are either unavailable or do not agree on the potential impact of this missense change (SIFT: "Deleterious"; PolyPhen-2: "Possibly Damaging"; Align-GVGD: "Class C0"). This variant has not been reported in the literature in individuals with ATM-related conditions. This variant is not present in population databases (ExAC no frequency). This sequence change replaces glycine with valine at codon 1202 of the ATM protein (p.Gly1202Val). The glycine residue is moderately conserved and there is a moderate physicochemical difference between glycine and valine.

NM_000051.4(ATM):c.3605G>T (p.Gly1202Val)

Gene: ATM (ATM serine/threonine kinase; plus strand). Cytogenetic location: 11q22.3.
Variant type: single nucleotide variant.
Coding change: c.3605G>T on transcript NM_000051.4 (MANE Select); coding-DNA position 3605, G replaced by T.
Protein change: p.Gly1202Val; replaces glycine 1202 with valine.
Molecular consequence: missense variant.
Genome position (GRCh38, 1-based): chr11:108,282,738, G>T. VCF-style: chr11-108282738-G-T. GRCh37 (hg19) VCF-style: chr11-108153465-G-T.
Other names: c.3605G>T, p.Gly1202Val (NM_001351834.2); short protein forms G1202V.
Identifiers: ClinVar variation 957048 (VCV000957048.39), dbSNP rs1555092285, ClinGen allele CA382522726.
Genomic context (GRCh38, chr11:108,282,738, plus strand): 5'-TTCTTAACACATTGACTTTTTGGTTCGTGCAGGTTTTAGAGAAAGTTTCTGAAACTTTTG[G>T]ATATAGACGTTTAGAAGACTTTATGGCATCTCATTTAGATTATCTGGTTTTGGAATGGCT-3'
Protein context (NP_000042.3, residues 1192-1212): KVLEKVSETF[Gly1202Val]YRRLEDFMAS